The following is an entry in ClinVar:

NM_133259.4(LRPPRC):c.1339G>A (p.Val447Ile)

Gene: LRPPRC (leucine rich pentatricopeptide repeat containing; minus strand). Cytogenetic location: 2p21.
Variant type: single nucleotide variant.
Coding change: c.1339G>A on transcript NM_133259.4 (MANE Select); coding-DNA position 1339, G replaced by A.
Protein change: p.Val447Ile; replaces valine 447 with isoleucine.
Molecular consequence: missense variant.
Genome position (GRCh38, 1-based): chr2:43,973,637, C>T on the plus strand (G>A on the coding strand, the complement: LRPPRC is on the minus strand). VCF-style: chr2-43973637-C-T. GRCh37 (hg19) VCF-style: chr2-44200776-C-T.
Other names: short protein forms V447I.
Identifiers: ClinVar variation 4752255 (VCV004752255.1).

ClinVar aggregate classification (germline): Uncertain significance (1 of 4 stars; one submission).

gnomAD v4.1: 4 of 1,613,948 alleles (0.00025%); highest among the groups gnomAD compares: Non-Finnish European, 0.00034%; no homozygotes.

Submission:

Labcorp Genetics (formerly Invitae), Labcorp
Classification: Uncertain significance. Last evaluated: 2025-05-05. Review status: criteria provided, single submitter. Criteria: Invitae Variant Classification Sherloc (09022015). Collection method: clinical testing. Allele origin: germline.
Comment: This sequence change replaces valine, which is neutral and non-polar, with isoleucine, which is neutral and non-polar, at codon 447 of the LRPPRC protein (p.Val447Ile). This variant is not present in population databases (gnomAD no frequency). This variant has not been reported in the literature in individuals affected with LRPPRC-related conditions. Invitae Evidence Modeling of protein sequence and biophysical properties (such as structural, functional, and spatial information, amino acid conservation, physicochemical variation, residue mobility, and thermodynamic stability) indicates that this missense variant is not expected to disrupt LRPPRC protein function with a negative predictive value of 80%. In summary, the available evidence is currently insufficient to determine the role of this variant in disease. Therefore, it has been classified as a Variant of Uncertain Significance.